The following is an entry in ClinVar:

NM_000057.4(BLM):c.645C>T (p.Ser215=)

Gene: BLM (BLM RecQ like helicase; plus strand). Cytogenetic location: 15q26.1.
Variant type: single nucleotide variant.
Coding change: c.645C>T on transcript NM_000057.4 (MANE Select); coding-DNA position 645, C replaced by T.
Protein change: p.Ser215=; no amino-acid change (serine 215 retained).
Molecular consequence: synonymous variant. On other transcripts: 5 prime UTR variant (1).
Genome position (GRCh38, 1-based): chr15:90,749,913, C>T. VCF-style: chr15-90749913-C-T. GRCh37 (hg19) VCF-style: chr15-91293143-C-T.
Other names: p.S215S:AGC>AGT; c.645C>T (LRG_20t1); c.645C>T, p.Ser215= (NM_001287246.2, NM_001287247.2); c.-647C>T (NM_001287248.2).
Identifiers: ClinVar variation 182061 (VCV000182061.22), dbSNP rs56218710, ClinGen allele CA298496.

ClinVar aggregate classification (germline): Conflicting classifications of pathogenicity. Review status: criteria provided, conflicting classifications (1 of 4 stars). 9 submissions from 9 submitters: Uncertain significance (1); Likely benign (6). 2 of the submissions do not count toward it. Last evaluated 2026-02-02.

Conditions:
BLM-related disorder. Also called: BLM-related condition.
Hereditary cancer-predisposing syndrome. Also called: Tumor predisposition; Neoplastic Syndromes, Hereditary; Hereditary neoplastic syndrome; Hereditary Cancer Syndrome. Identifiers: Orphanet 140162, MedGen C0027672, MeSH D009386, MONDO:0015356.
Bloom syndrome (BLM). Also called: Bloom-Torre-Machacek syndrome. Identifiers: Orphanet 125, MedGen C0005859, MONDO:0008876, OMIM 210900.

Allele frequency attached by ClinVar (database versions not stated): ESP Exome Variant Server 0.00031; gnomAD 0.00045; TOPMed 0.00051; 1000 Genomes Project 0.00100; 1000 Genomes Project 30x 0.00109.
gnomAD v4.1: 157 of 1,612,936 alleles (0.0097%); highest among the groups gnomAD compares: African/African-American, 0.15%; no homozygotes.

Submissions (9):

Labcorp Genetics (formerly Invitae), Labcorp
Classification: Likely benign for Bloom syndrome. Last evaluated: 2026-02-02. Review status: criteria provided, single submitter. Criteria: Invitae Variant Classification Sherloc (09022015). Collection method: clinical testing. Allele origin: germline.

Quest Diagnostics Nichols Institute San Juan Capistrano
Classification: Likely benign. Last evaluated: 2025-02-04. Review status: criteria provided, single submitter. Criteria: Quest Diagnostics criteria. Collection method: clinical testing. Allele origin: unknown.

Blueprint Genetics
Classification: Likely benign. Last evaluated: 2024-05-16. Review status: criteria provided, single submitter. Criteria: ACMG Guidelines, 2015. Collection method: clinical testing. Allele origin: germline.

Sema4
Classification: Uncertain significance for Hereditary cancer-predisposing syndrome. Last evaluated: 2021-09-30. Review status: criteria provided, single submitter. Criteria: Sema4 Curation Guidelines. Collection method: curation. Allele origin: germline.
Comment: The BLM c.645C>T (p.S215=) variant has not been reported in the literature to our knowledge. It was observed in 37/24906 chromosomes of the African/African American subpopulation, with no homozygotes observed, in the large and broad cohorts of the Genome Aggregation Database (PMID: 32461654). The variant has been reported in ClinVar (Variation ID: 182061). Splice site prediction tools suggest that this variant may impact splicing, however these predictions have not been confirmed by functional studies. The evidence is insufficient to meet ACMG/AMP criteria for classifying the variant as benign or pathogenic. Thus, the clinical significance of this variant is currently uncertain.

Genetic Services Laboratory, University of Chicago
Classification: Likely benign. Last evaluated: 2021-05-26. Review status: criteria provided, single submitter. Criteria: ACMG Guidelines, 2015. Collection method: clinical testing. Allele origin: germline. Affected: no.

Ambry Genetics
Classification: Likely benign for Hereditary cancer-predisposing syndrome. Last evaluated: 2016-09-29. Review status: criteria provided, single submitter. Criteria: Ambry Variant Classification Scheme 2023. Collection method: clinical testing. Allele origin: germline.

GeneDx
Classification: Likely benign. Last evaluated: 2014-03-04. Review status: criteria provided, single submitter. Criteria: GeneDx Variant Classification (06012015). Collection method: clinical testing. Allele origin: germline. Affected: yes.
Comment: This variant is considered likely benign or benign based on one or more of the following criteria: it is a conservative change, it occurs at a poorly conserved position in the protein, it is predicted to be benign by multiple in silico algorithms, and/or has population frequency not consistent with disease.

PreventionGenetics, part of Exact Sciences
Classification: Likely benign for BLM-related condition. Last evaluated: 2024-05-07. Review status: no assertion criteria provided. Collection method: clinical testing. Allele origin: germline. Not counted in ClinVar's aggregate classification.
Comment: This variant is classified as likely benign based on ACMG/AMP sequence variant interpretation guidelines (Richards et al. 2015 PMID: 25741868, with internal and published modifications).

Natera, Inc.
Classification: Likely benign for Bloom syndrome. Last evaluated: 2020-09-16. Review status: no assertion criteria provided. Collection method: clinical testing. Allele origin: germline. Not counted in ClinVar's aggregate classification.